The following is an entry in ClinVar:

ClinVar aggregate classification (germline): Uncertain significance (1 of 4 stars; one submission).

Conditions:
Bethlem myopathy 1A. Also called: MYOPATHY, BENIGN CONGENITAL, WITH CONTRACTURES; Bethlem myopathy 1; Bethlem Muscular Dystrophy. Identifiers: Orphanet 610, MedGen CN029274, MONDO:0024530, OMIM 158810.

gnomAD v4.1: 1 of 1,614,032 alleles (0.000062%); highest among the groups gnomAD compares: Non-Finnish European, 0.000085%; no homozygotes.

Submission:

Labcorp Genetics (formerly Invitae), Labcorp
Classification: Uncertain significance for Bethlem myopathy 1A. Last evaluated: 2025-02-06. Review status: criteria provided, single submitter. Criteria: Invitae Variant Classification Sherloc (09022015). Collection method: clinical testing. Allele origin: germline.
Comment: This sequence change replaces arginine, which is basic and polar, with leucine, which is neutral and non-polar, at codon 1632 of the COL6A3 protein (p.Arg1632Leu). This variant is not present in population databases (gnomAD no frequency). This variant has not been reported in the literature in individuals affected with COL6A3-related conditions. Invitae Evidence Modeling of protein sequence and biophysical properties (such as structural, functional, and spatial information, amino acid conservation, physicochemical variation, residue mobility, and thermodynamic stability) indicates that this missense variant is not expected to disrupt COL6A3 protein function with a negative predictive value of 80%. In summary, the available evidence is currently insufficient to determine the role of this variant in disease. Therefore, it has been classified as a Variant of Uncertain Significance.

NM_004369.4(COL6A3):c.4895G>T (p.Arg1632Leu)

Gene: COL6A3 (collagen type VI alpha 3 chain; minus strand). Cytogenetic location: 2q37.3.
Variant type: single nucleotide variant.
Coding change: c.4895G>T on transcript NM_004369.4 (MANE Select); coding-DNA position 4895, G replaced by T.
Protein change: p.Arg1632Leu; replaces arginine 1632 with leucine.
Molecular consequence: missense variant.
Genome position (GRCh38, 1-based): chr2:237,368,568, C>A on the plus strand (G>T on the coding strand, the complement: COL6A3 is on the minus strand). VCF-style: chr2-237368568-C-A. GRCh37 (hg19) VCF-style: chr2-238277211-C-A.
Other names: c.3074G>T, p.Arg1025Leu (NM_057166.5); c.4277G>T, p.Arg1426Leu (NM_057167.4); short protein forms R1025L, R1426L, R1632L.
Identifiers: ClinVar variation 4797190 (VCV004797190.1).
Genomic context (GRCh38, chr2:237,368,568, plus strand): 5'-CTAAAAAAAAAATGTTGATGTCACACTCTGTAGTCATGGGTCACACGGTGCATACCTGGC[C>A]GTGAAGGAGGAGGGGTGTCCACCCCTGGAGGTGCAGGAGTGGCTGCGGAGGGTCCAAACG-3'
Protein context (NP_004360.2, residues 1622-1642): PPGVDTPPPS[Arg1632Leu]PEKKKADIVF